The following is an entry in ClinVar:

NM_001042750.2(STAG2):c.22C>A (p.Pro8Thr)

Gene: STAG2 (STAG2 cohesin complex component; plus strand). Cytogenetic location: Xq25.
Variant type: single nucleotide variant.
Coding change: c.22C>A on transcript NM_001042750.2 (MANE Select); coding-DNA position 22, C replaced by A.
Protein change: p.Pro8Thr; replaces proline 8 with threonine.
Molecular consequence: missense variant.
Genome position (GRCh38, 1-based): chrX:124,022,649, C>A. VCF-style: chrX-124022649-C-A. GRCh37 (hg19) VCF-style: chrX-123156499-C-A.
Other names: c.22C>A, p.Pro8Thr (NM_001042749.2, NM_001042751.2, NM_001282418.2 and 13 more transcripts); short protein forms P8T.
Identifiers: ClinVar variation 1900255 (VCV001900255.6), dbSNP rs2523546164, ClinGen allele CA414271443.
Genomic context (GRCh38, chrX:124,022,649, plus strand): 5'-TATTTCTGACATTGAGGTGTTCCAGAAGATGATAAAGAAATGATAGCAGCTCCAGAAATA[C>A]CAACTGATTTTAATCTACTACAGTAAGTAAATTATATTCTGATAATTTTTAAATACTTGT-3'
Protein context (NP_001036215.1, residues 1-18): MIAAPEI[Pro8Thr]TDFNLLQESE

ClinVar aggregate classification (germline): Conflicting classifications of pathogenicity. Review status: criteria provided, conflicting classifications (1 of 4 stars). 2 submissions from 2 submitters: Uncertain significance (1); Likely benign (1). Last evaluated 2024-09-20.

Conditions:
Mullegama-Klein-Martinez syndrome. Also called: NEURODEVELOPMENTAL DISORDER, X-LINKED, WITH CRANIOFACIAL ABNORMALITIES. Identifiers: MedGen C5193008, MONDO:0026722, OMIM 301022.
Holoprosencephaly 13, X-linked. Identifiers: MedGen C5393308, MONDO:0026763, OMIM 301043.

Submissions (2):

3billion
Classification: Likely benign for Mullegama-Klein-Martinez syndrome; Holoprosencephaly 13, X-linked. Last evaluated: 2024-09-20. Review status: criteria provided, single submitter. Criteria: ACMG Guidelines, 2015. Collection method: clinical testing. Allele origin: germline. Affected: no.
Comment: The hemizygous variant was found in patients diagnosed with another variant in a different gene, with no symptoms related to the gene containing the hemizygous variant.

Labcorp Genetics (formerly Invitae), Labcorp
Classification: Uncertain significance. Last evaluated: 2022-10-10. Review status: criteria provided, single submitter. Criteria: Invitae Variant Classification Sherloc (09022015). Collection method: clinical testing. Allele origin: germline.
Comment: In summary, the available evidence is currently insufficient to determine the role of this variant in disease. Therefore, it has been classified as a Variant of Uncertain Significance. Algorithms developed to predict the effect of missense changes on protein structure and function (SIFT, PolyPhen-2, Align-GVGD) all suggest that this variant is likely to be tolerated. This variant has not been reported in the literature in individuals affected with STAG2-related conditions. This variant is not present in population databases (gnomAD no frequency). This sequence change replaces proline, which is neutral and non-polar, with threonine, which is neutral and polar, at codon 8 of the STAG2 protein (p.Pro8Thr).